The following is an entry in ClinVar:

ClinVar aggregate classification (germline): Uncertain significance (1 of 4 stars; one submission).

Conditions:
Inborn genetic diseases. Identifiers: MedGen C0950123, MeSH D030342.

gnomAD v4.1: 1 of 1,613,940 alleles (0.000062%); no homozygotes.

Submission:

Ambry Genetics
Classification: Uncertain significance for Inborn genetic diseases. Last evaluated: 2024-02-22. Review status: criteria provided, single submitter. Criteria: Ambry Variant Classification Scheme 2023. Collection method: clinical testing. Allele origin: germline.
Comment: The p.K1595R variant (also known as c.4784A>G), located in coding exon 27 of the ATR gene, results from an A to G substitution at nucleotide position 4784. The lysine at codon 1595 is replaced by arginine, an amino acid with highly similar properties. This amino acid position is conserved. In addition, this alteration is predicted to be tolerated by in silico analysis. Based on the available evidence, the clinical significance of this alteration remains unclear.

NM_001184.4(ATR):c.4784A>G (p.Lys1595Arg)

Gene: ATR (ATR checkpoint kinase; minus strand). Cytogenetic location: 3q23.
Variant type: single nucleotide variant.
Coding change: c.4784A>G on transcript NM_001184.4 (MANE Select); coding-DNA position 4784, A replaced by G.
Protein change: p.Lys1595Arg; replaces lysine 1595 with arginine.
Molecular consequence: missense variant.
Genome position (GRCh38, 1-based): chr3:142,512,328, T>C on the plus strand (A>G on the coding strand, the complement: ATR is on the minus strand). VCF-style: chr3-142512328-T-C. GRCh37 (hg19) VCF-style: chr3-142231170-T-C.
Other names: c.4592A>G, p.Lys1531Arg (NM_001354579.2); short protein forms K1531R, K1595R.
Identifiers: ClinVar variation 3221183 (VCV003221183.1), dbSNP rs2473217121, ClinGen allele CA354795291.